The following is an entry in ClinVar:

NM_207122.2(EXT2):c.514C>T (p.Gln172Ter)

Gene: EXT2 (exostosin glycosyltransferase 2; plus strand). Cytogenetic location: 11p11.2.
Variant type: single nucleotide variant.
Coding change: c.514C>T on transcript NM_207122.2 (MANE Select); coding-DNA position 514, C replaced by T.
Protein change: p.Gln172Ter; replaces glutamine 172 with a stop codon.
Molecular consequence: nonsense.
Genome position (GRCh38, 1-based): chr11:44,108,226, C>T. VCF-style: chr11-44108226-C-T. GRCh37 (hg19) VCF-style: chr11-44129776-C-T.
Other names: c.613C>T, p.Gln205Ter (NM_000401.3); c.514C>T, p.Gln172Ter (NM_001178083.3, NM_001389628.1, NM_001389630.1); short protein forms Q172*, Q205*.
Identifiers: ClinVar variation 2472 (VCV000002472.22), dbSNP rs121918279, ClinGen allele CA252288.

ClinVar aggregate classification (germline): Pathogenic. Review status: criteria provided, multiple submitters, no conflicts (2 of 4 stars). 9 submissions from 9 submitters: Pathogenic (8). 1 of the submissions does not count toward it. Last evaluated 2025-12-23.

Conditions:
EXT2-related disorders.
Seizures-scoliosis-macrocephaly syndrome. Also called: SEIZURES, SCOLIOSIS, AND MACROCEPHALY/MICROCEPHALY SYNDROME; Seizures, scoliosis, and macrocephaly syndrome. Identifiers: Orphanet 466926, MedGen C4225248, MONDO:0014731, OMIM 616682.
Exostoses, multiple, type 2 (EXT2). Also called: EXOSTOSES, MULTIPLE, TYPE II; Hereditary Multiple Osteochondromatosis, Type II. Identifiers: Orphanet 321, MedGen C1851413, MONDO:0007586, OMIM 133701.
Hereditary cancer-predisposing syndrome. Also called: Tumor predisposition; Hereditary neoplastic syndrome; Hereditary Cancer Syndrome; Neoplastic Syndromes, Hereditary. Identifiers: Orphanet 140162, MedGen C0027672, MeSH D009386, MONDO:0015356.

Submissions (9):

Labcorp Genetics (formerly Invitae), Labcorp
Classification: Pathogenic for Exostoses, multiple, type 2. Last evaluated: 2025-12-23. Review status: criteria provided, single submitter. Criteria: Invitae Variant Classification Sherloc (09022015). Collection method: clinical testing. Allele origin: germline.
Comment: This sequence change creates a premature translational stop signal (p.Gln172*) in the EXT2 gene. It is expected to result in an absent or disrupted protein product. Loss-of-function variants in EXT2 are known to be pathogenic (PMID: 10679937, 19810120). This variant is not present in population databases (gnomAD no frequency). This premature translational stop signal has been observed in individuals with hereditary multiple osteochondromatosis (PMID: 8894688, 9463333, 11432960, 17589361, 24496678). It has also been observed to segregate with disease in related individuals. Invitae Evidence Modeling of clinical and family history, age, sex, and reported ancestry of multiple individuals with this EXT2 variant has been performed. This variant is expected to be pathogenic with a positive predictive value of at least 99%. This is a validated machine learning model that incorporates the clinical features of 66,185 individuals referred to our laboratory for EXT2 testing. ClinVar contains an entry for this variant (Variation ID: 2472). For these reasons, this variant has been classified as Pathogenic.

Blueprint Genetics
Classification: Pathogenic for EXT2-related disorders. Last evaluated: 2021-10-06. Review status: criteria provided, single submitter. Criteria: ACMG Guidelines, 2015. Collection method: clinical testing. Allele origin: germline. Affected: yes. Observed: 2 variant alleles.

Greenwood Genetic Center Diagnostic Laboratories, Greenwood Genetic Center
Classification: Pathogenic. Last evaluated: 2020-11-30. Review status: criteria provided, single submitter. Criteria: ACMG Guidelines, 2015. Collection method: clinical testing. Allele origin: germline. Affected: yes.
Comment: PVS1, PM2, PS4_Moderate

Institute of Medical Genetics and Applied Genomics, University Hospital Tübingen
Classification: Pathogenic. Last evaluated: 2020-10-23. Review status: criteria provided, single submitter. Criteria: ACMG Guidelines, 2015. Collection method: clinical testing. Allele origin: germline. Inheritance: Unknown mechanism. Affected: yes.

Fulgent Genetics
Classification: Pathogenic for Exostoses, multiple, type 2; Seizures-scoliosis-macrocephaly syndrome. Last evaluated: 2018-10-31. Review status: criteria provided, single submitter. Criteria: ACMG Guidelines, 2015. Collection method: clinical testing. Allele origin: unknown.

Academic Department of Medical Genetics, University of Cambridge
Classification: Pathogenic for Hereditary cancer-predisposing syndrome. Last evaluated: 2018-01-26. Review status: criteria provided, single submitter. Criteria: ACMG Guidelines, 2015. Collection method: research. Allele origin: germline. Affected: yes. Observed: 1 heterozygote.
Comment: Application of AMCG guidelines 2015. Used other ClinVar submission evidence where relevant. Loss of heterozygosity in tumours or immunohistochemistry abnormalities considered functional evidence of pathogenicity.

Identified as part of research study of individuals with multiple primary tumours referred for genetic assessment

GeneDx
Classification: Pathogenic. Last evaluated: 2016-03-16. Review status: criteria provided, single submitter. Criteria: GeneDx Variant Classification (06012015). Collection method: clinical testing. Allele origin: germline. Affected: yes.
Comment: The Q172X nonsense variant in the EXT2 gene has been reported previously in association with hereditary multiple exostoses (Wuyts et al., 1996; Heinritz et al., 2009). This pathogenic variant is predicted to cause loss of normal protein function either through protein truncation or nonsense-mediated mRNA decay. The variant was not observed in approximately 6,500 individuals of European and African American ancestry in the NHLBI Exome Sequencing Project, indicating it is not a common benign variant in these populations.

Clinical Biomedical Laboratory, Shriners Hospital For Children - Canada
Classification: Pathogenic for Exostoses, multiple, type 2. Review status: criteria provided, single submitter. Criteria: ACMG Guidelines, 2015. Collection method: clinical testing. Allele origin: germline. Affected: yes.
Comment: This variant is predicted to lead to degradation of the affected transcript and loss of function of the affected allele. This variant is absent from the Genome Aggregation Database (v2.1.1.), indicating it is very rare. This variant has been reported in the literature multiple times as a cause of multiple exostoses (e.g., PMID 19810120). Based on the ACMG variant interpretation guidelines (criteria: PVS1, PM2, PP4), the available evidence supports classification of this variant as pathogenic.

OMIM
Classification: Pathogenic for EXOSTOSES, MULTIPLE, TYPE II. Last evaluated: 2009-05-01. Review status: no assertion criteria provided. Collection method: literature only. Allele origin: germline. Not counted in ClinVar's aggregate classification.

Literature cited by the submitters: PubMed 10679937 (cited by Labcorp Genetics (formerly Invitae), Labcorp and OMIM); PubMed 19810120 (cited by Labcorp Genetics (formerly Invitae), Labcorp and Clinical Biomedical Laboratory, Shriners Hospital For Children - Canada); PubMed 8894688 (cited by Labcorp Genetics (formerly Invitae), Labcorp); PubMed 9463333 (cited by Labcorp Genetics (formerly Invitae), Labcorp); PubMed 11432960 (cited by Labcorp Genetics (formerly Invitae), Labcorp); PubMed 17589361 (cited by Labcorp Genetics (formerly Invitae), Labcorp); PubMed 24496678 (cited by Labcorp Genetics (formerly Invitae), Labcorp); PubMed 19344451 (cited by OMIM).